The following is an entry in ClinVar:

NM_000138.5(FBN1):c.8401G>C (p.Asp2801His)

Gene: FBN1 (fibrillin 1; minus strand). Cytogenetic location: 15q21.1.
Variant type: single nucleotide variant.
Coding change: c.8401G>C on transcript NM_000138.5 (MANE Select); coding-DNA position 8401, G replaced by C.
Protein change: p.Asp2801His; replaces aspartic acid 2801 with histidine.
Molecular consequence: missense variant.
Genome position (GRCh38, 1-based): chr15:48,411,205, C>G on the plus strand (G>C on the coding strand, the complement: FBN1 is on the minus strand). VCF-style: chr15-48411205-C-G. GRCh37 (hg19) VCF-style: chr15-48703402-C-G.
Other names: short protein forms D2801H.
Identifiers: ClinVar variation 922752 (VCV000922752.8), dbSNP rs868087455, ClinGen allele CA392319200.

ClinVar aggregate classification (germline): Uncertain significance. Review status: criteria provided, multiple submitters, no conflicts (2 of 4 stars). 5 submissions from 5 submitters: Uncertain significance (5). Last evaluated 2024-10-05.

Conditions:
Marfan syndrome (MFS). Also called: Marfan syndrome, classic; Marfan syndrome type 1; Marfan's syndrome; FBN1-Related Marfan Syndrome; MARFAN SYNDROME, TYPE I. Identifiers: Orphanet 284963, Orphanet 558, MedGen C0024796, MONDO:0007947, OMIM 154700.
Weill-Marchesani syndrome 2, dominant. Also called: FBN1-Related Weill-Marchesani Syndrome; Weill-Marchesani Syndrome, Autosomal Dominant. Identifiers: Orphanet 2084, MedGen C1869115, MONDO:0012013, OMIM 608328.
Progeroid and marfanoid aspect-lipodystrophy syndrome. Also called: MARFANOID-PROGEROID SYNDROME; MARFAN-PROGEROID-LIPODYSTROPHY SYNDROME; Marfan lipodystrophy syndrome; MARFANOID-PROGEROID-LIPODYSTROPHY SYNDROME. Identifiers: Orphanet 300382, MedGen C4310796, MONDO:0014831, OMIM 616914.
Acromicric dysplasia (ACMICD). Also called: Acromicric skeletal dysplasia. Identifiers: Orphanet 969, MedGen C0265287, MONDO:0007055, OMIM 102370.
Ectopia lentis 1, isolated, autosomal dominant (ECTOL1). Identifiers: Orphanet 1885, MedGen C3541518, MONDO:0007514, OMIM 129600.
Geleophysic dysplasia 2 (GPHYSD2). Identifiers: Orphanet 2623, MedGen C3280054, MONDO:0013612, OMIM 614185.
MASS syndrome (OCTD). Also called: OVERLAP CONNECTIVE TISSUE DISEASE; MASS PHENOTYPE. Identifiers: MedGen C1858556, MONDO:0011431, OMIM 604308.
Stiff skin syndrome (SSKS). Identifiers: Orphanet 2833, MedGen C1861456, MONDO:0008492, OMIM 184900.
Familial thoracic aortic aneurysm and aortic dissection (TAAD). Also called: Thoracic aortic aneurysms and dissections. Identifiers: Orphanet 91387, MedGen C4707243, MONDO:0019625.

Allele frequency attached by ClinVar (database versions not stated): gnomAD exomes 0.00001.
gnomAD v4.1: 5 of 1,614,156 alleles (0.00031%); highest among the groups gnomAD compares: Non-Finnish European, 0.00042%; no homozygotes.

Submissions (5):

Labcorp Genetics (formerly Invitae), Labcorp
Classification: Uncertain significance for Marfan syndrome; Familial thoracic aortic aneurysm and aortic dissection. Last evaluated: 2024-10-05. Review status: criteria provided, single submitter. Criteria: Invitae Variant Classification Sherloc (09022015). Collection method: clinical testing. Allele origin: germline.
Comment: This sequence change replaces aspartic acid, which is acidic and polar, with histidine, which is basic and polar, at codon 2801 of the FBN1 protein (p.Asp2801His). This variant is not present in population databases (gnomAD no frequency). This variant has not been reported in the literature in individuals affected with FBN1-related conditions. ClinVar contains an entry for this variant (Variation ID: 922752). Invitae Evidence Modeling of protein sequence and biophysical properties (such as structural, functional, and spatial information, amino acid conservation, physicochemical variation, residue mobility, and thermodynamic stability) indicates that this missense variant is not expected to disrupt FBN1 protein function with a negative predictive value of 95%. In summary, the available evidence is currently insufficient to determine the role of this variant in disease. Therefore, it has been classified as a Variant of Uncertain Significance.

GeneDx
Classification: Uncertain significance. Last evaluated: 2024-05-25. Review status: criteria provided, single submitter. Criteria: GeneDx Variant Classification Process June 2021. Collection method: clinical testing. Allele origin: germline. Affected: yes.
Comment: Has not been previously published as pathogenic or benign to our knowledge; Not observed at significant frequency in large population cohorts (gnomAD); In silico analysis indicates that this missense variant does not alter protein structure/function; Does not affect a cysteine residue within a calcium-binding EGF-like domain or a TGF-binding protein domain of the FBN1 gene; cysteine substitutions in the calcium-binding EGF-like domains represent the majority of pathogenic missense changes associated with FBN1-related disorders (PMID: 12938084); This variant is associated with the following publications: (PMID: 12938084)

All of Us Research Program, National Institutes of Health
Classification: Uncertain significance for Marfan syndrome. Last evaluated: 2024-01-11. Review status: criteria provided, single submitter. Criteria: ACMG Guidelines, 2015. Collection method: clinical testing. Allele origin: germline. Inheritance: Autosomal dominant inheritance. Observed: 1 variant allele, 1 heterozygote.
Comment: This study involves interpretation of variants in research participants for the purpose of population health screening. Participant phenotype was not available at the time of variant classification. Additional details can be found in publication PMID: 35346344, PMCID: PMC8962531

Color Diagnostics, LLC DBA Color Health
Classification: Uncertain significance for Familial thoracic aortic aneurysm and aortic dissection. Last evaluated: 2023-12-05. Review status: criteria provided, single submitter. Criteria: ACMG Guidelines, 2015. Collection method: clinical testing. Allele origin: germline.
Comment: This missense variant replaces aspartic acid with histidine at codon 2801 of the FBN1 protein. Computational prediction suggests that this variant may not impact protein structure and function (internally defined REVEL score threshold <= 0.5, PMID: 27666373). To our knowledge, functional studies have not been reported for this variant. This variant has not been reported in individuals affected with FBN1-related disorders in the literature. This variant has not been identified in the general population by the Genome Aggregation Database (gnomAD). The available evidence is insufficient to determine the role of this variant in disease conclusively. Therefore, this variant is classified as a Variant of Uncertain Significance.

Fulgent Genetics
Classification: Uncertain significance for Acromicric dysplasia; Ectopia lentis 1, isolated, autosomal dominant; Marfan syndrome; Stiff skin syndrome; MASS syndrome; Weill-Marchesani syndrome 2, dominant; Geleophysic dysplasia 2; Progeroid and marfanoid aspect-lipodystrophy syndrome. Last evaluated: 2021-09-06. Review status: criteria provided, single submitter. Criteria: ACMG Guidelines, 2015. Collection method: clinical testing. Allele origin: unknown.